The following is an entry in ClinVar:

ClinVar aggregate classification (germline): Uncertain significance (1 of 4 stars; one submission).

Conditions:
COQ2-related disorder. Also called: COQ2-related condition.

Submission:

PreventionGenetics, part of Exact Sciences
Classification: Uncertain significance for COQ2-related condition. Last evaluated: 2024-10-03. Review status: criteria provided, single submitter. Criteria: ACMG Guidelines, 2015. Collection method: clinical testing. Allele origin: germline.
Comment: The COQ2 c.172G>A variant is predicted to result in the amino acid substitution p.Gly58Arg. To our knowledge, this variant has not been reported in the literature or in a large population database (gnomAD), indicating this variant is rare. At this time, the clinical significance of this variant is uncertain due to the absence of conclusive functional and genetic evidence.

NM_001358921.2(COQ2):c.22G>A (p.Gly8Arg)

Genes: COQ2 (coenzyme Q2, polyprenyltransferase; minus strand), LOC112997540 (Sharpr-MPRA regulatory region 13773; plus strand). Cytogenetic location: 4q21.23.
Variant type: single nucleotide variant.
Coding change: c.22G>A on transcript NM_001358921.2 (MANE Select); coding-DNA position 22, G replaced by A.
Protein change: p.Gly8Arg; replaces glycine 8 with arginine.
Molecular consequence: missense variant.
Genome position (GRCh38, 1-based): chr4:83,284,743, C>T on the plus strand (G>A on the coding strand, the complement: COQ2 is on the minus strand). VCF-style: chr4-83284743-C-T. GRCh37 (hg19) VCF-style: chr4-84205896-C-T.
Other names: c.172G>A, p.Gly58Arg (NM_015697.9); short protein forms G58R, G8R.
Identifiers: ClinVar variation 4990333 (VCV004990333.1).
Genomic context (GRCh38, chr4:83,284,743, plus strand): 5'-AGCGGCCCCGCCAGCCCGGCAGCCACGCCAGTGCCACAGCCCGCAGGCCCCGCGCGAACC[C>T]CGCGGCTCGCGAGCCCAGCATGGCGCTGGTGAGGCCGGGACGAGCTCGGATTGACGTCAT-3'
Protein context (NP_001345850.1, residues 1-18): MLGSRAA[Gly8Arg]FARGLRAVAL